The following is an entry in ClinVar:

NM_000283.4(PDE6B):c.650C>T (p.Thr217Met)

Gene: PDE6B (phosphodiesterase 6B; plus strand). Cytogenetic location: 4p16.3.
Variant type: single nucleotide variant.
Coding change: c.650C>T on transcript NM_000283.4 (MANE Select); coding-DNA position 650, C replaced by T.
Protein change: p.Thr217Met; replaces threonine 217 with methionine.
Molecular consequence: missense variant.
Genome position (GRCh38, 1-based): chr4:635,908, C>T. VCF-style: chr4-635908-C-T. GRCh37 (hg19) VCF-style: chr4-629697-C-T.
Other names: c.650C>T, p.Thr217Met (NM_001145291.2); c.650C>T (NM_000283.3); short protein forms T217M.
Identifiers: ClinVar variation 1365517 (VCV001365517.10), dbSNP rs748586554, ClinGen allele CA2794048.
Genomic context (GRCh38, chr4:635,908, plus strand): 5'-TTTAATTCCTCTTGTTGCAATTCCTGTTTCAGGTGTTCTTGAAGTACCTGAATTTTGCCA[C>T]GTTGTACCTGAAGATCTATCACCTGAGCTACCTCCACAACTGCGAGACGCGCCGCGGCCA-3'
Protein context (NP_000274.3, residues 207-227): DVFLKYLNFA[Thr217Met]LYLKIYHLSY

ClinVar aggregate classification (germline): Uncertain significance. Review status: criteria provided, multiple submitters, no conflicts (2 of 4 stars). 3 submissions from 3 submitters: Uncertain significance (3). Last evaluated 2025-01-17.

Conditions:
Inborn genetic diseases. Identifiers: MedGen C0950123, MeSH D030342.

Allele frequency attached by ClinVar (database versions not stated): gnomAD exomes 0.00003; TOPMed 0.00003; ExAC 0.00004; gnomAD 0.00004.
gnomAD v4.1: 49 of 1,603,164 alleles (0.0031%); highest among the groups gnomAD compares: Non-Finnish European, 0.0039%; no homozygotes.

Submissions (3):

Ambry Genetics
Classification: Uncertain significance for Inborn genetic diseases. Last evaluated: 2025-01-17. Review status: criteria provided, single submitter. Criteria: Ambry Variant Classification Scheme 2023. Collection method: clinical testing. Allele origin: germline.

Labcorp Genetics (formerly Invitae), Labcorp
Classification: Uncertain significance. Last evaluated: 2024-12-16. Review status: criteria provided, single submitter. Criteria: Invitae Variant Classification Sherloc (09022015). Collection method: clinical testing. Allele origin: germline.
Comment: This sequence change replaces threonine, which is neutral and polar, with methionine, which is neutral and non-polar, at codon 217 of the PDE6B protein (p.Thr217Met). This variant is present in population databases (rs748586554, gnomAD 0.007%). This variant has not been reported in the literature in individuals affected with PDE6B-related conditions. ClinVar contains an entry for this variant (Variation ID: 1365517). Invitae Evidence Modeling of protein sequence and biophysical properties (such as structural, functional, and spatial information, amino acid conservation, physicochemical variation, residue mobility, and thermodynamic stability) indicates that this missense variant is not expected to disrupt PDE6B protein function with a negative predictive value of 80%. In summary, the available evidence is currently insufficient to determine the role of this variant in disease. Therefore, it has been classified as a Variant of Uncertain Significance.

Blueprint Genetics
Classification: Uncertain significance. Last evaluated: 2024-11-22. Review status: criteria provided, single submitter. Criteria: ACMG Guidelines, 2015. Collection method: clinical testing. Allele origin: germline.